The following is an entry in ClinVar:

ClinVar aggregate classification (germline): Pathogenic (1 of 4 stars; one submission).

Submission:

Labcorp Genetics (formerly Invitae), Labcorp
Classification: Pathogenic. Last evaluated: 2020-01-08. Review status: criteria provided, single submitter. Criteria: Invitae Variant Classification Sherloc (09022015). Collection method: clinical testing. Allele origin: germline.
Comment: This variant is a gross deletion of the genomic region encompassing exon 1 of the PROM1 gene, which includes the initiator codon. The 5' end of this event is unknown as it extends beyond the assayed region for this gene and therefore may encompass additional genes. The 3' boundary is likely confined to intron 1 of the PROM1 gene. This is expected to result in an absent or disrupted protein product. This variant has not been reported in the literature in individuals with PROM1-related conditions. Loss-of-function variants in PROM1 are known to be pathogenic (PMID: 17605048, 19718270, 24154662). For these reasons, this variant has been classified as Pathogenic.

NC_000004.12:g.(?_16075687)_(16075906_?)del

Gene: PROM1 (prominin 1; minus strand). Cytogenetic location: 4p15.32.
Variant type: Deletion.
Identifiers: ClinVar variation 833028 (VCV000833028.1).